The following is an entry in ClinVar:

ClinVar aggregate classification (germline): Uncertain significance. Review status: criteria provided, multiple submitters, no conflicts (2 of 4 stars). 3 submissions from 3 submitters: Uncertain significance (3). Last evaluated 2025-11-08.

Allele frequency attached by ClinVar (database versions not stated): ESP Exome Variant Server 0.00015; 1000 Genomes Project 30x 0.00016; ExAC 0.00004; gnomAD 0.00015 and 0.00016; 1000 Genomes Project 0.00020; gnomAD exomes 0.00004 and 0.00002; TOPMed 0.00020.

Submissions (3):

Labcorp Genetics (formerly Invitae), Labcorp
Classification: Uncertain significance. Last evaluated: 2025-11-08. Review status: criteria provided, single submitter. Criteria: Invitae Variant Classification Sherloc (09022015). Collection method: clinical testing. Allele origin: germline.
Comment: This sequence change replaces arginine, which is basic and polar, with histidine, which is basic and polar, at codon 258 of the THPO protein (p.Arg258His). This variant is present in population databases (rs147206404, gnomAD 0.05%). This variant has not been reported in the literature in individuals affected with THPO-related conditions. ClinVar contains an entry for this variant (Variation ID: 593095). Invitae Evidence Modeling of protein sequence and biophysical properties (such as structural, functional, and spatial information, amino acid conservation, physicochemical variation, residue mobility, and thermodynamic stability) indicates that this missense variant is not expected to disrupt THPO protein function with a negative predictive value of 80%. In summary, the available evidence is currently insufficient to determine the role of this variant in disease. Therefore, it has been classified as a Variant of Uncertain Significance.

Mayo Clinic Laboratories, Mayo Clinic
Classification: Uncertain significance. Last evaluated: 2025-04-29. Review status: criteria provided, single submitter. Criteria: ACMG Guidelines, 2015. Collection method: clinical testing. Allele origin: germline. Observed: 1 variant allele.
Comment: BP4_strong

Eurofins Ntd Llc (ga)
Classification: Uncertain significance. Last evaluated: 2017-07-11. Review status: criteria provided, single submitter. Criteria: EGL Classification Definitions 2015. Collection method: clinical testing. Allele origin: germline. Observed: 1 variant allele, 1 heterozygote.

NM_000460.4(THPO):c.773G>A (p.Arg258His)

Gene: THPO (thrombopoietin; minus strand). Cytogenetic location: 3q27.1.
Variant type: single nucleotide variant.
Coding change: c.773G>A on transcript NM_000460.4 (MANE Select); coding-DNA position 773, G replaced by A.
Protein change: p.Arg258His; replaces arginine 258 with histidine.
Molecular consequence: missense variant. On other transcripts: synonymous variant (4).
Genome position (GRCh38, 1-based): chr3:184,372,802, C>T on the plus strand (G>A on the coding strand, the complement: THPO is on the minus strand). VCF-style: chr3-184372802-C-T. GRCh37 (hg19) VCF-style: chr3-184090590-C-T.
Other names: p.Arg258His; c.773G>A, p.Arg258His (LRG_580t1, NM_001289998.1, NM_001290028.1); c.761G>A, p.Arg254His (NM_001177597.2, NM_001290022.1); c.756G>A, p.Ser252= (NM_001177598.2, NM_001290026.1); c.657G>A, p.Ser219= (NM_001289997.1, NM_001290027.1); c.1193G>A, p.Arg398His (NM_001290003.1); short protein forms R258H, R398H, R254H.
Identifiers: ClinVar variation 593095 (VCV000593095.9), dbSNP rs147206404, ClinGen allele CA2734873.
Genomic context (GRCh38, chr3:184,372,802, plus strand): 5'-GTTCCTGAGGAAATGTCCGGGGCTCCTAGGGTCCTGCGTGAGGGTCCAGGAAAGAGTCCA[C>T]GAGTTCCATTCAAGAGTTCGTGTATCCTGTTCAGGTATCCGGGGATTTGGTCCAGGGACC-3'
Protein context (NP_000451.1, residues 248-268): NRIHELLNGT[Arg258His]GLFPGPSRRT